The following is an entry in ClinVar:

NM_001122630.2(CDKN1C):c.522_587dup (p.Val184_Pro205dup)

Gene: CDKN1C (cyclin dependent kinase inhibitor 1C; minus strand). Cytogenetic location: 11p15.4.
Variant type: Indel.
Coding change: c.522_587dup on transcript NM_001122630.2 (MANE Select); coding-DNA positions 522 to 587, 66 bases duplicated.
Protein change: p.Val184_Pro205dup.
Molecular consequence: inframe insertion. On other transcripts: intron variant (1).
Genome position (GRCh38, 1-based): chr11:2,884,870-2,884,935, 66 bases duplicated. GRCh37 (hg19): chr11:2,906,120-2,906,185.
Other names: c.555_620dup66 (NM_000076.2); c.555_620dup, p.Val195_Pro216dup (NM_000076.2, NM_001362474.2); c.522_587dup, p.Val184_Pro205dup (NM_001122631.2); c.255+267_255+332dup (NM_001362475.2).
Identifiers: ClinVar variation 1093447 (VCV001093447.11), dbSNP rs2133783144, ClinGen allele CA2499220888.

ClinVar aggregate classification (germline): Likely benign. Review status: criteria provided, single submitter (1 of 4 stars). 2 submissions from 2 submitters: Likely benign (1). 1 of the submissions does not count toward it. Last evaluated 2023-09-07.

Conditions:
CDKN1C-related disorder. Also called: CDKN1C-related condition.
Beckwith-Wiedemann syndrome (BWS). Also called: EMG SYNDROME; Exomphalos macroglossia gigantism syndrome. Identifiers: Orphanet 116, MedGen C0004903, MONDO:0007534, OMIM 130650.

Submissions (2):

Labcorp Genetics (formerly Invitae), Labcorp
Classification: Likely benign for Beckwith-Wiedemann syndrome. Last evaluated: 2023-09-07. Review status: criteria provided, single submitter. Criteria: Invitae Variant Classification Sherloc (09022015). Collection method: clinical testing. Allele origin: germline.

PreventionGenetics, part of Exact Sciences
Classification: Likely benign for CDKN1C-related condition. Last evaluated: 2022-02-21. Review status: no assertion criteria provided. Collection method: clinical testing. Allele origin: germline. Not counted in ClinVar's aggregate classification.
Comment: This variant is classified as likely benign based on ACMG/AMP sequence variant interpretation guidelines (Richards et al. 2015 PMID: 25741868, with internal and published modifications).